The following is an entry in ClinVar:

NM_001735.3(C5):c.2200G>A (p.Val734Ile)

Gene: C5 (complement C5; minus strand). Cytogenetic location: 9q33.2.
Variant type: single nucleotide variant.
Coding change: c.2200G>A on transcript NM_001735.3 (MANE Select); coding-DNA position 2200, G replaced by A.
Protein change: p.Val734Ile; replaces valine 734 with isoleucine.
Molecular consequence: missense variant.
Genome position (GRCh38, 1-based): chr9:121,013,930, C>T on the plus strand (G>A on the coding strand, the complement: C5 is on the minus strand). VCF-style: chr9-121013930-C-T. GRCh37 (hg19) VCF-style: chr9-123776208-C-T.
Other names: c.2218G>A, p.Val740Ile (NM_001317163.2); c.2200G>A, p.Val734Ile (NM_001317164.2); short protein forms V740I, V734I.
Identifiers: ClinVar variation 2179366 (VCV002179366.5), dbSNP rs771791383, ClinGen allele CA5217845.

ClinVar aggregate classification (germline): Conflicting classifications of pathogenicity. Review status: criteria provided, conflicting classifications (1 of 4 stars). 2 submissions from 2 submitters: Uncertain significance (1); Likely benign (1). Last evaluated 2024-12-21.

Allele frequency attached by ClinVar (database versions not stated): ExAC 0.00002; TOPMed 0.00002; gnomAD 0.00003; gnomAD exomes 0.00005.
gnomAD v4.1: 76 of 1,614,000 alleles (0.0047%); highest among the groups gnomAD compares: East Asian, 0.0089%; no homozygotes.

Submissions (2):

Ambry Genetics
Classification: Likely benign. Last evaluated: 2024-12-21. Review status: criteria provided, single submitter. Criteria: Ambry Variant Classification Scheme 2023. Collection method: clinical testing. Allele origin: germline.

Labcorp Genetics (formerly Invitae), Labcorp
Classification: Uncertain significance. Last evaluated: 2022-02-23. Review status: criteria provided, single submitter. Criteria: Invitae Variant Classification Sherloc (09022015). Collection method: clinical testing. Allele origin: germline.
Comment: In summary, the available evidence is currently insufficient to determine the role of this variant in disease. Therefore, it has been classified as a Variant of Uncertain Significance. Algorithms developed to predict the effect of missense changes on protein structure and function output the following: SIFT: "Tolerated"; PolyPhen-2: "Benign"; Align-GVGD: "Class C0". The isoleucine amino acid residue is found in multiple mammalian species, which suggests that this missense change does not adversely affect protein function. This variant has not been reported in the literature in individuals affected with C5-related conditions. This variant is present in population databases (rs771791383, gnomAD 0.006%). This sequence change replaces valine, which is neutral and non-polar, with isoleucine, which is neutral and non-polar, at codon 734 of the C5 protein (p.Val734Ile).